The following is an entry in ClinVar:

ClinVar aggregate classification (germline): Uncertain significance (1 of 4 stars; one submission).

Conditions:
Gastrointestinal stromal tumor. Also called: Gastrointestinal stroma tumor; Gastrointestinal stromal tumor, somatic. Identifiers: Orphanet 44890, MedGen C0238198, MeSH D046152, MONDO:0011719, OMIM 606764, HP:0100723.

Submission:

Labcorp Genetics (formerly Invitae), Labcorp
Classification: Uncertain significance for Gastrointestinal stromal tumor. Last evaluated: 2021-10-21. Review status: criteria provided, single submitter. Criteria: Invitae Variant Classification Sherloc (09022015). Collection method: clinical testing. Allele origin: germline.
Comment: This sequence change replaces glycine with tryptophan at codon 166 of the PDGFRA protein (p.Gly166Trp). The glycine residue is moderately conserved and there is a large physicochemical difference between glycine and tryptophan. This variant is not present in population databases (ExAC no frequency). This variant has not been reported in the literature in individuals affected with PDGFRA-related conditions. Algorithms developed to predict the effect of missense changes on protein structure and function are either unavailable or do not agree on the potential impact of this missense change (SIFT: "Deleterious"; PolyPhen-2: "Benign"; Align-GVGD: "Class C0"). In summary, the available evidence is currently insufficient to determine the role of this variant in disease. Therefore, it has been classified as a Variant of Uncertain Significance.

NM_006206.6(PDGFRA):c.496G>T (p.Gly166Trp)

Gene: PDGFRA (platelet derived growth factor receptor alpha; plus strand). Cytogenetic location: 4q12.
Variant type: single nucleotide variant.
Coding change: c.496G>T on transcript NM_006206.6 (MANE Select); coding-DNA position 496, G replaced by T.
Protein change: p.Gly166Trp; replaces glycine 166 with tryptophan.
Molecular consequence: missense variant.
Genome position (GRCh38, 1-based): chr4:54,263,795, G>T. VCF-style: chr4-54263795-G-T. GRCh37 (hg19) VCF-style: chr4-55129962-G-T.
Other names: c.496G>T, p.Gly166Trp (NM_001347827.2, NM_001347829.2); c.571G>T, p.Gly191Trp (NM_001347828.2); c.535G>T, p.Gly179Trp (NM_001347830.2); short protein forms G191W, G166W, G179W.
Identifiers: ClinVar variation 1479149 (VCV001479149.6), dbSNP rs2110252173, ClinGen allele CA356889952.
Genomic context (GRCh38, chr4:54,263,795, plus strand): 5'-GCCATTATACCTTGTCGCACAACTGATCCCGAGACTCCTGTAACCTTACACAACAGTGAG[G>T]GGGTGGTACCTGCCTCCTACGACAGCAGACAGGGCTTTAATGGGACCTTCACTGTAGGGC-3'
Protein context (NP_006197.1, residues 156-176): ETPVTLHNSE[Gly166Trp]VVPASYDSRQ